The following is an entry in ClinVar:

ClinVar aggregate classification (germline): Likely benign (1 of 4 stars; one submission).

Conditions:
Familial intrahepatic cholestasis. Identifiers: Orphanet 284385, MedGen CN296401, MONDO:0017290.

Submission:

Genomenon, Inc
Classification: Likely benign for Familial intrahepatic cholestasis. Last evaluated: 2026-04-14. Review status: criteria provided, single submitter. Criteria: Genomenon Sequence Variant Interpretation Standards - Updated. Collection method: curation. Allele origin: germline. Affected: no.
Comment: ATP8B1 c.2097+97T>G is an intronic variant located in intron 18. This variant has been reported in the published literature (PMID:24260417). It is absent or not present at a significant frequency in gnomAD. This intronic variant is not predicted to impact splicing. In conclusion, we classify ATP8B1 c.2097+97T>G as a likely benign variant.

Literature cited by the submitters: PubMed 24260417.

NM_001374385.1(ATP8B1):c.2097+97T>G

Genes: ATP8B1 (ATPase phospholipid transporting 8B1; minus strand), ATP8B1-AS1 (ATP8B1 antisense RNA 1; plus strand). Cytogenetic location: 18q21.31.
Variant type: single nucleotide variant.
Coding change: c.2097+97T>G on transcript NM_001374385.1 (MANE Select); 97 bases into the intron after coding-DNA position 2097, T replaced by G.
Molecular consequence: intron variant. On other transcripts: non-coding transcript variant (1).
Genome position (GRCh38, 1-based): chr18:57,669,221, A>C on the plus strand (T>G on the coding strand, the complement: ATP8B1 is on the minus strand). VCF-style: chr18-57669221-A-C. GRCh37 (hg19) VCF-style: chr18-55336453-A-C.
Other names: c.2097+97T>G (NM_005603.6); c.1947+97T>G (NM_001374386.1).
Identifiers: ClinVar variation 4846289 (VCV004846289.1).